The following is an entry in ClinVar:

NM_001853.4(COL9A3):c.1106C>T (p.Pro369Leu)

Gene: COL9A3 (collagen type IX alpha 3 chain; plus strand). Cytogenetic location: 20q13.33.
Variant type: single nucleotide variant.
Coding change: c.1106C>T on transcript NM_001853.4 (MANE Select); coding-DNA position 1106, C replaced by T.
Protein change: p.Pro369Leu; replaces proline 369 with leucine.
Molecular consequence: missense variant.
Genome position (GRCh38, 1-based): chr20:62,829,680, C>T. VCF-style: chr20-62829680-C-T. GRCh37 (hg19) VCF-style: chr20-61461032-C-T.
Other names: short protein forms P369L.
Identifiers: ClinVar variation 1980164 (VCV001980164.4), dbSNP rs2516058734, ClinGen allele CA409593631.
Genomic context (GRCh38, chr20:62,829,680, plus strand): 5'-CTCTACAGGGCAGAGCTGGGGAGCTGGGTGAGGCCGGCCCCTCTGGAGAGCCAGGCGTCC[C>T]TGTGAGTATCTGCGGCGCCCCAGACCCCTCCCCATCCAGCCTGTGTGCAGACCCTGCCCT-3'
Protein context (NP_001844.3, residues 359-379): EAGPSGEPGV[Pro369Leu]GDAGMPGERG

ClinVar aggregate classification (germline): Uncertain significance (1 of 4 stars; one submission).

Submission:

Labcorp Genetics (formerly Invitae), Labcorp
Classification: Uncertain significance. Last evaluated: 2022-06-07. Review status: criteria provided, single submitter. Criteria: Invitae Variant Classification Sherloc (09022015). Collection method: clinical testing. Allele origin: germline.
Comment: Algorithms developed to predict the effect of missense changes on protein structure and function are either unavailable or do not agree on the potential impact of this missense change (SIFT: "Deleterious"; PolyPhen-2: "Probably Damaging"; Align-GVGD: "Class C0"). This variant has not been reported in the literature in individuals affected with COL9A3-related conditions. This variant is not present in population databases (gnomAD no frequency). This sequence change replaces proline, which is neutral and non-polar, with leucine, which is neutral and non-polar, at codon 369 of the COL9A3 protein (p.Pro369Leu). In summary, the available evidence is currently insufficient to determine the role of this variant in disease. Therefore, it has been classified as a Variant of Uncertain Significance.